The following is an entry in ClinVar:

NM_032242.4(PLXNA1):c.5519G>A (p.Arg1840His)

Gene: PLXNA1 (plexin A1; plus strand). Cytogenetic location: 3q21.3.
Variant type: single nucleotide variant.
Coding change: c.5519G>A on transcript NM_032242.4 (MANE Select); coding-DNA position 5519, G replaced by A.
Protein change: p.Arg1840His; replaces arginine 1840 with histidine.
Molecular consequence: missense variant.
Genome position (GRCh38, 1-based): chr3:127,032,760, G>A. VCF-style: chr3-127032760-G-A. GRCh37 (hg19) VCF-style: chr3-126751603-G-A.
Other names: short protein forms R1840H.
Identifiers: ClinVar variation 3356659 (VCV003356659.1).
Genomic context (GRCh38, chr3:127,032,760, plus strand): 5'-TCGCCAAGATGCCAGCCATCAGCGACCAGGACATGAGTGCGTATCTGGCTGAGCAGTCCC[G>A]CCTGCACCTGAGCCAGTTCAACAGCATGAGCGCCTTGCACGAGATCTACTCCTACATCAC-3'
Protein context (NP_115618.3, residues 1830-1850): DMSAYLAEQS[Arg1840His]LHLSQFNSMS

ClinVar aggregate classification (germline): Uncertain significance (0 of 4 stars; one submission).

Conditions:
PLXNA1-related disorder. Also called: PLXNA1-related condition.

gnomAD v4.1: 12 of 1,613,316 alleles (0.00074%); highest among the groups gnomAD compares: Admixed American, 0.005%; no homozygotes.

Submission:

PreventionGenetics, part of Exact Sciences
Classification: Uncertain significance for PLXNA1-related condition. Last evaluated: 2024-05-31. Review status: no assertion criteria provided. Collection method: clinical testing. Allele origin: germline.
Comment: The PLXNA1 c.5519G>A variant is predicted to result in the amino acid substitution p.Arg1840His. To our knowledge, this variant has not been reported in the literature. This variant is reported in 0.0058% of alleles in individuals of Latino descent in gnomAD. At this time, the clinical significance of this variant is uncertain due to the absence of conclusive functional and genetic evidence.